The following is an entry in ClinVar:

ClinVar aggregate classification (germline): Conflicting classifications of pathogenicity. Review status: criteria provided, conflicting classifications (1 of 4 stars). 5 submissions from 3 submitters: Uncertain significance (1); Benign (2); Likely benign (2). Last evaluated 2025-12-16.

Conditions:
Meacham syndrome. Also called: Meacham Winn Culler syndrome. Identifiers: Orphanet 3097, MedGen C1837026, MONDO:0012164, OMIM 608978.
Wilms tumor 1 (WT1). Also called: Wilms tumor, somatic. Identifiers: Orphanet 654, MedGen CN033288, MONDO:0008679, OMIM 194070.
Frasier syndrome. Identifiers: Orphanet 347, MedGen C0950122, MeSH D052159, MONDO:0007635, OMIM 136680.
11p partial monosomy syndrome (WAGR). Also called: CHROMOSOME 11p13 DELETION SYNDROME; WAGR syndrome; WAGR Complex; WAGR Spectrum Disorder. Identifiers: Orphanet 893, MedGen C0206115, MONDO:0008681, OMIM 194072.
Drash syndrome (DDS). Also called: NEPHROPATHY, WILMS TUMOR, AND GENITAL ANOMALIES; WILMS TUMOR AND PSEUDO- OR TRUE HERMAPHRODITISM. Identifiers: Orphanet 220, MedGen C0950121, MONDO:0008682, OMIM 194080.
Inborn genetic diseases. Identifiers: MedGen C0950123, MeSH D030342.
Nephrotic syndrome, type 4 (NPHS4). Also called: Familial mesangial sclerosis; Nephrotic syndrome, early onset with diffuse mesangial sclerosis. Identifiers: Orphanet 656, MedGen C3151568, MONDO:0009733, OMIM 256370.

Allele frequency attached by ClinVar (database versions not stated): gnomAD below 0.00001 and 0.00001; TOPMed below 0.00001; gnomAD exomes 0.00007 and 0.00010; ExAC 0.00013.
gnomAD v4.1: 101 of 1,613,848 alleles (0.0063%); highest among the groups gnomAD compares: South Asian, 0.11%; 2 homozygotes.

Submissions (5):

Labcorp Genetics (formerly Invitae), Labcorp
Classification: Benign for Wilms tumor 1; Drash syndrome; 11p partial monosomy syndrome; Frasier syndrome. Last evaluated: 2025-12-16. Review status: criteria provided, single submitter. Criteria: Invitae Variant Classification Sherloc (09022015). Collection method: clinical testing. Allele origin: germline.

Ambry Genetics
Classification: Likely benign for Inborn genetic diseases. Last evaluated: 2024-08-21. Review status: criteria provided, single submitter. Criteria: Ambry Variant Classification Scheme 2023. Collection method: clinical testing. Allele origin: germline.

Illumina Laboratory Services, Illumina
Classification: Benign for Meacham syndrome. Last evaluated: 2018-01-13. Review status: criteria provided, single submitter. Criteria: ICSL Variant Classification Criteria 13 December 2019. Collection method: clinical testing. Allele origin: germline.
Comment: This variant was observed in the ICSL laboratory as part of a predisposition screen in an ostensibly healthy population. It had not been previously curated by ICSL or reported in the Human Gene Mutation Database (HGMD: prior to June 1st, 2018), and was therefore a candidate for classification through an automated scoring system. Utilizing variant allele frequency, disease prevalence and penetrance estimates, and inheritance mode, an automated score was calculated to assess if this variant is too frequent to cause the disease. Based on the score and internal cut-off values, a variant classified as benign is not then subjected to further curation. The score for this variant resulted in a classification of benign for this disease.

Illumina Laboratory Services, Illumina
Classification: Likely benign for Wilms tumor 1. Last evaluated: 2018-01-13. Review status: criteria provided, single submitter. Criteria: ICSL Variant Classification Criteria 13 December 2019. Collection method: clinical testing. Allele origin: germline.
Comment: This variant was observed in the ICSL laboratory as part of a predisposition screen in an ostensibly healthy population. It had not been previously curated by ICSL or reported in the Human Gene Mutation Database (HGMD: prior to June 1st, 2018), and was therefore a candidate for classification through an automated scoring system. Utilizing variant allele frequency, disease prevalence and penetrance estimates, and inheritance mode, an automated score was calculated to assess if this variant is too frequent to cause the disease. Based on the score and internal cut-off values, a variant classified as likely benign is not then subjected to further curation. The score for this variant resulted in a classification of likely benign for this disease.

Illumina Laboratory Services, Illumina
Classification: Uncertain significance for Nephrotic syndrome, type 4. Last evaluated: 2018-01-13. Review status: criteria provided, single submitter. Criteria: ICSL Variant Classification Criteria 13 December 2019. Collection method: clinical testing. Allele origin: germline.

NM_024426.6(WT1):c.695G>C (p.Ser232Thr)

Gene: WT1 (WT1 transcription factor; minus strand). Cytogenetic location: 11p13.
Variant type: single nucleotide variant.
Coding change: c.695G>C on transcript NM_024426.6 (MANE Select); coding-DNA position 695, G replaced by C.
Protein change: p.Ser232Thr; replaces serine 232 with threonine.
Molecular consequence: missense variant. On other transcripts: non-coding transcript variant (1).
Genome position (GRCh38, 1-based): chr11:32,428,586, C>G on the plus strand (G>C on the coding strand, the complement: WT1 is on the minus strand). VCF-style: chr11-32428586-C-G. GRCh37 (hg19) VCF-style: chr11-32450132-C-G.
Other names: c.695G>C, p.Ser232Thr (NM_000378.6, NM_001407044.1, NM_001407045.1 and 4 more transcripts); c.44G>C, p.Ser15Thr (NM_001198551.2, NM_001198552.2); c.-68G>C (NM_001407051.1); c.680G>C, p.Ser227Thr (NM_024425.2); short protein forms S15T, S232T.
Identifiers: ClinVar variation 304422 (VCV000304422.15), dbSNP rs761913397, ClinGen allele CA065489.